The following is an entry in ClinVar:

NM_031418.4(ANO3):c.1522G>T (p.Glu508Ter)

Gene: ANO3 (anoctamin 3; plus strand). Cytogenetic location: 11p14.2.
Variant type: single nucleotide variant.
Coding change: c.1522G>T on transcript NM_031418.4 (MANE Select); coding-DNA position 1522, G replaced by T.
Protein change: p.Glu508Ter; replaces glutamic acid 508 with a stop codon.
Molecular consequence: nonsense.
Genome position (GRCh38, 1-based): chr11:26,598,439, G>T. VCF-style: chr11-26598439-G-T. GRCh37 (hg19) VCF-style: chr11-26619986-G-T.
Other names: c.1705G>T, p.Glu569Ter (NM_001313726.2); c.1084G>T, p.Glu362Ter (NM_001313727.2); short protein forms E508*, E569*, E362*.
Identifiers: ClinVar variation 661475 (VCV000661475.6), dbSNP rs1590612384, ClinGen allele CA379940240.

ClinVar aggregate classification (germline): Uncertain significance (1 of 4 stars; one submission).

Conditions:
Dystonic disorder. Also called: Dystonia. Identifiers: MedGen C0013421, MONDO:0003441, HP:0001332.

Submission:

Labcorp Genetics (formerly Invitae), Labcorp
Classification: Uncertain significance for Dystonic disorder. Last evaluated: 2018-10-04. Review status: criteria provided, single submitter. Criteria: Invitae Variant Classification Sherloc (09022015). Collection method: clinical testing. Allele origin: germline.
Comment: This sequence change creates a premature translational stop signal (p.Glu508*) in the ANO3 gene. It is expected to result in an absent or disrupted protein product. In summary, the available evidence is currently insufficient to determine the role of this variant in disease. Therefore, it has been classified as a Variant of Uncertain Significance. The current clinical and genetic evidence is not sufficient to establish whether loss-of-function variants in ANO3 cause disease. This variant has not been reported in the literature in individuals with ANO3-related disease. This variant is not present in population databases (ExAC no frequency).